The following is an entry in ClinVar:

ClinVar aggregate classification (germline): Uncertain significance (1 of 4 stars; one submission).

Conditions:
Cardiovascular phenotype. Identifiers: MedGen CN230736.

Submission:

Ambry Genetics
Classification: Uncertain significance for Cardiovascular phenotype. Last evaluated: 2025-03-25. Review status: criteria provided, single submitter. Criteria: Ambry Variant Classification Scheme 2023. Collection method: clinical testing. Allele origin: germline.
Comment: The p.V274G variant (also known as c.821T>G), located in coding exon 4 of the JUP gene, results from a T to G substitution at nucleotide position 821. The valine at codon 274 is replaced by glycine, an amino acid with dissimilar properties. This amino acid position is conserved. In addition, this alteration is predicted to be deleterious by in silico analysis. Based on the available evidence, the clinical significance of this variant remains unclear.

NM_002230.4(JUP):c.821T>G (p.Val274Gly)

Gene: JUP (junction plakoglobin; minus strand). Cytogenetic location: 17q21.2.
Variant type: single nucleotide variant.
Coding change: c.821T>G on transcript NM_002230.4 (MANE Select); coding-DNA position 821, T replaced by G.
Protein change: p.Val274Gly; replaces valine 274 with glycine.
Molecular consequence: missense variant.
Genome position (GRCh38, 1-based): chr17:41,767,467, A>C on the plus strand (T>G on the coding strand, the complement: JUP is on the minus strand). VCF-style: chr17-41767467-A-C. GRCh37 (hg19) VCF-style: chr17-39923719-A-C.
Other names: c.821T>G, p.Val274Gly (NM_001352773.2, NM_001352774.2, NM_001352775.2 and 3 more transcripts); short protein forms V274G.
Identifiers: ClinVar variation 4040979 (VCV004040979.1).
Genomic context (GRCh38, chr17:41,767,467, plus strand): 5'-AGCTGCAGGCAGTCGGTGGTGATGGCCAGGAACTTGGGGTTGTTCTTGTTGAGCAGGGGC[A>C]CCATCTTTTGCAGCCCGTCGGCCAGGCGCACGGCCATCTTGGCGCCCTCCTGGTACAGGA-3'
Protein context (NP_002221.1, residues 264-284): VRLADGLQKM[Val274Gly]PLLNKNNPKF